The following is an entry in ClinVar:

NM_000020.3(ACVRL1):c.858_859insA (p.Asp287fs)

Gene: ACVRL1 (activin A receptor like type 1; plus strand). Cytogenetic location: 12q13.13.
Variant type: Insertion.
Coding change: c.858_859insA on transcript NM_000020.3 (MANE Select); coding-DNA positions 858 to 859, A inserted.
Protein change: p.Asp287fs; shifts the reading frame from aspartic acid 287.
Molecular consequence: frameshift variant.
Genome position: GRCh38 VCF-style: chr12-51915310-C-CA. GRCh37 (hg19) VCF-style: chr12-52309094-C-CA.
Other names: c.858_859insA, p.Asp287fs (NM_001077401.2); c.858_859insA, p.Asp287Argfs (NM_001406487.1, NM_001406488.1, NM_001406489.1); c.546_547insA, p.Asp183Argfs (NM_001406490.1, NM_001406491.1, NM_001406492.1 and 2 more transcripts); c.294_295insA, p.Asp99Argfs (NM_001406495.1); short protein forms D287fs.
Identifiers: ClinVar variation 1763921 (VCV001763921.2), dbSNP rs2540164298, ClinGen allele CA2580086478.

ClinVar aggregate classification (germline): Pathogenic (1 of 4 stars; one submission).

Conditions:
Cardiovascular phenotype. Identifiers: MedGen CN230736.

Submission:

Ambry Genetics
Classification: Pathogenic for Cardiovascular phenotype. Last evaluated: 2021-06-05. Review status: criteria provided, single submitter. Criteria: Ambry Variant Classification Scheme 2023. Collection method: clinical testing. Allele origin: germline.
Comment: The c.858_859insA pathogenic mutation, located in coding exon 6 of the ACVRL1 gene, results from an insertion of one nucleotide at position 858, causing a translational frameshift with a predicted alternate stop codon (p.D287Rfs*105). This variant is considered to be rare based on population cohorts in the Genome Aggregation Database (gnomAD). This alteration is expected to result in loss of function by premature protein truncation or nonsense-mediated mRNA decay. As such, this alteration is interpreted as a disease-causing mutation.